The following is an entry in ClinVar:

ClinVar aggregate classification (germline): Likely pathogenic (1 of 4 stars; one submission).

Conditions:
Familial aortopathy. Identifiers: MedGen CN078214.

Submission:

Women's Health and Genetics/Laboratory Corporation of America, LabCorp
Classification: Likely pathogenic for Aortopathy. Last evaluated: 2011-08-18. Review status: criteria provided, single submitter. Criteria: LabCorp Variant Classification Summary - May 2015. Collection method: curation. Allele origin: germline. Inheritance: autosomal unknown. Affected: yes.
ClinVar note: Converted during submission from likely pathogenic to Likely pathogenic.

NM_000090.4(COL3A1):c.1691G>C (p.Gly564Ala)

Gene: COL3A1 (collagen type III alpha 1 chain; plus strand). Cytogenetic location: 2q32.2.
Variant type: single nucleotide variant.
Coding change: c.1691G>C on transcript NM_000090.4 (MANE Select); coding-DNA position 1691, G replaced by C.
Protein change: p.Gly564Ala; replaces glycine 564 with alanine.
Molecular consequence: missense variant.
Genome position (GRCh38, 1-based): chr2:188,996,426, G>C. VCF-style: chr2-188996426-G-C. GRCh37 (hg19) VCF-style: chr2-189861152-G-C.
Other names: short protein forms G564A.
Identifiers: ClinVar variation 35962 (VCV000035962.3), dbSNP rs193922176, ClinGen allele CA004438.